The following is an entry in ClinVar:

NM_001365999.1(SZT2):c.6362G>A (p.Arg2121Gln)

Gene: SZT2 (SZT2 subunit of KICSTOR complex; plus strand). Cytogenetic location: 1p34.2.
Variant type: single nucleotide variant.
Coding change: c.6362G>A on transcript NM_001365999.1 (MANE Select); coding-DNA position 6362, G replaced by A.
Protein change: p.Arg2121Gln; replaces arginine 2121 with glutamine.
Molecular consequence: missense variant.
Genome position (GRCh38, 1-based): chr1:43,437,666, G>A. VCF-style: chr1-43437666-G-A. GRCh37 (hg19) VCF-style: chr1-43903337-G-A.
Other names: c.6191G>A, p.Arg2064Gln (NM_015284.4); short protein forms R2064Q, R2121Q.
Identifiers: ClinVar variation 839219 (VCV000839219.6), dbSNP rs1223549118, ClinGen allele CA340029325.

ClinVar aggregate classification (germline): Uncertain significance. Review status: criteria provided, multiple submitters, no conflicts (2 of 4 stars). 2 submissions from 2 submitters: Uncertain significance (2). Last evaluated 2024-01-03.

Conditions:
Inborn genetic diseases. Identifiers: MedGen C0950123, MeSH D030342.

Allele frequency attached by ClinVar (database versions not stated): gnomAD below 0.00001 and 0.00001; TOPMed below 0.00001; gnomAD exomes 0.00001.
gnomAD v4.1: 9 of 1,613,900 alleles (0.00056%); highest among the groups gnomAD compares: South Asian, 0.0011%; no homozygotes.

Submissions (2):

Ambry Genetics
Classification: Uncertain significance for Inborn genetic diseases. Last evaluated: 2024-01-03. Review status: criteria provided, single submitter. Criteria: Ambry Variant Classification Scheme 2023. Collection method: clinical testing. Allele origin: germline.

Labcorp Genetics (formerly Invitae), Labcorp
Classification: Uncertain significance. Last evaluated: 2022-01-14. Review status: criteria provided, single submitter. Criteria: Invitae Variant Classification Sherloc (09022015). Collection method: clinical testing. Allele origin: germline.
Comment: This sequence change replaces arginine, which is basic and polar, with glutamine, which is neutral and polar, at codon 2064 of the SZT2 protein (p.Arg2064Gln). This variant is present in population databases (no rsID available, gnomAD 0.003%). This variant has not been reported in the literature in individuals affected with SZT2-related conditions. ClinVar contains an entry for this variant (Variation ID: 839219). Algorithms developed to predict the effect of missense changes on protein structure and function (SIFT, PolyPhen-2, Align-GVGD) all suggest that this variant is likely to be disruptive. In summary, the available evidence is currently insufficient to determine the role of this variant in disease. Therefore, it has been classified as a Variant of Uncertain Significance.